The following is an entry in ClinVar:

NM_001130438.3(SPTAN1):c.7137C>G (p.Ile2379Met)

Gene: SPTAN1 (spectrin alpha, non-erythrocytic 1; plus strand). Cytogenetic location: 9q34.11.
Variant type: single nucleotide variant.
Coding change: c.7137C>G on transcript NM_001130438.3 (MANE Select); coding-DNA position 7137, C replaced by G.
Protein change: p.Ile2379Met; replaces isoleucine 2379 with methionine.
Molecular consequence: missense variant.
Genome position (GRCh38, 1-based): chr9:128,632,695, C>G. VCF-style: chr9-128632695-C-G. GRCh37 (hg19) VCF-style: chr9-131394974-C-G.
Other names: c.7062C>G, p.Ile2354Met (NM_001195532.2); c.7200C>G, p.Ile2400Met (NM_001363759.2); c.7077C>G, p.Ile2359Met (NM_001363765.2, NM_001375314.2); c.7224C>G, p.Ile2408Met (NM_001375310.1); c.7137C>G, p.Ile2379Met (NM_001375311.2); c.7173C>G, p.Ile2391Met (NM_001375312.2, NM_001438440.1); c.7119C>G, p.Ile2373Met (NM_001375313.1); c.7236C>G, p.Ile2412Met (NM_001375318.1); and 6 more; short protein forms I2348M, I2353M, I2354M, I2359M, I2368M, I2373M, I2374M, I2375M.
Identifiers: ClinVar variation 4799074 (VCV004799074.1).

ClinVar aggregate classification (germline): Uncertain significance (1 of 4 stars; one submission).

Conditions:
Early-infantile DEE. Also called: Ohtahara syndrome; Early infantile epileptic encephalopathy; Early infantile epileptic encephalopathy with suppression bursts. Identifiers: Orphanet 1934, MedGen C0393706, MONDO:0800491.

Submission:

Labcorp Genetics (formerly Invitae), Labcorp
Classification: Uncertain significance for Early-infantile DEE. Last evaluated: 2025-02-11. Review status: criteria provided, single submitter. Criteria: Invitae Variant Classification Sherloc (09022015). Collection method: clinical testing. Allele origin: germline.
Comment: This sequence change replaces isoleucine, which is neutral and non-polar, with methionine, which is neutral and non-polar, at codon 2379 of the SPTAN1 protein (p.Ile2379Met). This variant is not present in population databases (gnomAD no frequency). This variant has not been reported in the literature in individuals affected with SPTAN1-related conditions. Invitae Evidence Modeling of protein sequence and biophysical properties (such as structural, functional, and spatial information, amino acid conservation, physicochemical variation, residue mobility, and thermodynamic stability) has been performed for this missense variant. However, the output from this modeling did not meet the statistical confidence thresholds required to predict the impact of this variant on SPTAN1 protein function. In summary, the available evidence is currently insufficient to determine the role of this variant in disease. Therefore, it has been classified as a Variant of Uncertain Significance.